The following is an entry in ClinVar:

ClinVar aggregate classification (germline): Uncertain significance (1 of 4 stars; one submission).

gnomAD v4.1: 4 of 1,614,244 alleles (0.00025%); highest among the groups gnomAD compares: South Asian, 0.0022%; no homozygotes.

Submission:

Labcorp Genetics (formerly Invitae), Labcorp
Classification: Uncertain significance. Last evaluated: 2022-03-13. Review status: criteria provided, single submitter. Criteria: Invitae Variant Classification Sherloc (09022015). Collection method: clinical testing. Allele origin: germline.
Comment: In summary, the available evidence is currently insufficient to determine the role of this variant in disease. Therefore, it has been classified as a Variant of Uncertain Significance. Algorithms developed to predict the effect of missense changes on protein structure and function output the following: SIFT: "Tolerated"; PolyPhen-2: "Benign"; Align-GVGD: "Class C0". The isoleucine amino acid residue is found in multiple mammalian species, which suggests that this missense change does not adversely affect protein function. This variant has not been reported in the literature in individuals affected with CCBE1-related conditions. This variant is present in population databases (no rsID available, gnomAD 0.002%). This sequence change replaces methionine, which is neutral and non-polar, with isoleucine, which is neutral and non-polar, at codon 288 of the CCBE1 protein (p.Met288Ile).

NM_133459.4(CCBE1):c.864G>A (p.Met288Ile)

Gene: CCBE1 (collagen and calcium binding EGF domains 1; minus strand). Cytogenetic location: 18q21.32.
Variant type: single nucleotide variant.
Coding change: c.864G>A on transcript NM_133459.4 (MANE Select); coding-DNA position 864, G replaced by A.
Protein change: p.Met288Ile; replaces methionine 288 with isoleucine.
Molecular consequence: missense variant.
Genome position (GRCh38, 1-based): chr18:59,439,728, C>T on the plus strand (G>A on the coding strand, the complement: CCBE1 is on the minus strand). VCF-style: chr18-59439728-C-T. GRCh37 (hg19) VCF-style: chr18-57106960-C-T.
Other names: short protein forms M288I.
Identifiers: ClinVar variation 1911394 (VCV001911394.5), dbSNP rs1356812667, ClinGen allele CA402595304.